The following is an entry in ClinVar:

ClinVar aggregate classification (germline): Uncertain significance (1 of 4 stars; one submission).

Conditions:
Autosomal dominant limb-girdle muscular dystrophy type 1D (DNAJB6) (LGMDD1). Also called: MUSCULAR DYSTROPHY, LIMB-GIRDLE, TYPE 1D; MUSCULAR DYSTROPHY, AUTOSOMAL DOMINANT, WITH RIMMED VACUOLES; Autosomal dominant limb-girdle muscular dystrophy type 1D; Muscular dystrophy, limb-girdle, autosomal dominant 1. Identifiers: Orphanet 34516, MedGen C4721885, MONDO:0021018, OMIM 603511.

Submission:

Labcorp Genetics (formerly Invitae), Labcorp
Classification: Uncertain significance for Autosomal dominant limb-girdle muscular dystrophy type 1D (DNAJB6). Last evaluated: 2025-09-21. Review status: criteria provided, single submitter. Criteria: Invitae Variant Classification Sherloc (09022015). Collection method: clinical testing. Allele origin: germline.
Comment: This sequence change replaces threonine, which is neutral and polar, with asparagine, which is neutral and polar, at codon 195 of the DNAJB6 protein (p.Thr195Asn). This variant is not present in population databases (gnomAD no frequency). This variant has not been reported in the literature in individuals affected with DNAJB6-related conditions. Invitae Evidence Modeling of protein sequence and biophysical properties (such as structural, functional, and spatial information, amino acid conservation, physicochemical variation, residue mobility, and thermodynamic stability) indicates that this missense variant is expected to disrupt DNAJB6 protein function with a positive predictive value of 80%. In summary, the available evidence is currently insufficient to determine the role of this variant in disease. Therefore, it has been classified as a Variant of Uncertain Significance.

NM_058246.4(DNAJB6):c.584C>A (p.Thr195Asn)

Gene: DNAJB6 (DnaJ heat shock protein family (Hsp40) member B6; plus strand). Cytogenetic location: 7q36.3.
Variant type: single nucleotide variant.
Coding change: c.584C>A on transcript NM_058246.4 (MANE Select); coding-DNA position 584, C replaced by A.
Protein change: p.Thr195Asn; replaces threonine 195 with asparagine.
Molecular consequence: missense variant. On other transcripts: intron variant (1).
Genome position (GRCh38, 1-based): chr7:157,384,972, C>A. VCF-style: chr7-157384972-C-A. GRCh37 (hg19) VCF-style: chr7-157177666-C-A.
Other names: c.584C>A, p.Thr195Asn (NM_005494.3); c.346+17489C>A (NM_001363676.1); short protein forms T195N.
Identifiers: ClinVar variation 4744313 (VCV004744313.1).
Genomic context (GRCh38, chr7:157,384,972, plus strand): 5'-TCTCTTCCACGTCATTTGGTGGTAGTGGCATGGGCAACTTCAAATCGATATCAACTTCAA[C>A]TAAAATGGTTAATGGCAGAAAAATCACTACAAAGAGGTACTGTGGTATTCTGCATTTTAT-3'
Protein context (NP_490647.1, residues 185-205): MGNFKSISTS[Thr195Asn]KMVNGRKITT